The following is an entry in ClinVar:

NM_000836.4(GRIN2D):c.31C>T (p.Arg11Trp)

Gene: GRIN2D (glutamate ionotropic receptor NMDA type subunit 2D; plus strand). Cytogenetic location: 19q13.33.
Variant type: single nucleotide variant.
Coding change: c.31C>T on transcript NM_000836.4 (MANE Select); coding-DNA position 31, C replaced by T.
Protein change: p.Arg11Trp; replaces arginine 11 with tryptophan.
Molecular consequence: missense variant.
Genome position (GRCh38, 1-based): chr19:48,398,423, C>T. VCF-style: chr19-48398423-C-T. GRCh37 (hg19) VCF-style: chr19-48901680-C-T.
Other names: short protein forms R11W.
Identifiers: ClinVar variation 4802159 (VCV004802159.1).

ClinVar aggregate classification (germline): Uncertain significance (1 of 4 stars; one submission).

Submission:

Labcorp Genetics (formerly Invitae), Labcorp
Classification: Uncertain significance. Last evaluated: 2025-11-09. Review status: criteria provided, single submitter. Criteria: Invitae Variant Classification Sherloc (09022015). Collection method: clinical testing. Allele origin: germline.
Comment: This sequence change replaces arginine, which is basic and polar, with tryptophan, which is neutral and slightly polar, at codon 11 of the GRIN2D protein (p.Arg11Trp). The frequency data for this variant in the population databases is considered unreliable, as metrics indicate insufficient coverage at this position in the gnomAD database. This variant has not been reported in the literature in individuals affected with GRIN2D-related conditions. Invitae Evidence Modeling of protein sequence and biophysical properties (such as structural, functional, and spatial information, amino acid conservation, physicochemical variation, residue mobility, and thermodynamic stability) indicates that this missense variant is not expected to disrupt GRIN2D protein function with a negative predictive value of 95%. In summary, the available evidence is currently insufficient to determine the role of this variant in disease. Therefore, it has been classified as a Variant of Uncertain Significance.